The following is an entry in ClinVar:

NM_000383.4(AIRE):c.827A>G (p.Gln276Arg)

Gene: AIRE (autoimmune regulator; plus strand). Cytogenetic location: 21q22.3.
Variant type: single nucleotide variant.
Coding change: c.827A>G on transcript NM_000383.4 (MANE Select); coding-DNA position 827, A replaced by G.
Protein change: p.Gln276Arg; replaces glutamine 276 with arginine.
Molecular consequence: missense variant.
Genome position (GRCh38, 1-based): chr21:44,290,016, A>G. VCF-style: chr21-44290016-A-G. GRCh37 (hg19) VCF-style: chr21-45709899-A-G.
Other names: short protein forms Q276R.
Identifiers: ClinVar variation 2740413 (VCV002740413.3), dbSNP rs780067507, ClinGen allele CA10051743.
Genomic context (GRCh38, chr21:44,290,016, plus strand): 5'-GCCCCCATTGCTGACGCCCCTCTTCCTTGCAGGGTGGAGGTGAGGCTAGGCTGGGCCAGC[A>G]GGGCAGCGTTCCCGCCCCTCTGGCCCTCCCCAGTGACCCCCAGCTCCACCAGGTAATGCC-3'
Protein context (NP_000374.1, residues 266-286): PGGGEARLGQ[Gln276Arg]GSVPAPLALP

ClinVar aggregate classification (germline): Uncertain significance (1 of 4 stars; one submission).

Conditions:
Polyglandular autoimmune syndrome, type 1 (APS1). Also called: Autoimmune polyendocrinopathy syndrome , type I, with or without reversible metaphyseal dysplasia; Autoimmune polyendocrine syndrome type 1; HYPOADRENOCORTICISM WITH HYPOPARATHYROIDISM AND SUPERFICIAL MONILIASIS; PGA I; AUTOIMMUNE POLYENDOCRINE SYNDROME, TYPE I, WITH OR WITHOUT REVERSIBLE METAPHYSEAL DYSPLASIA; APS I. Identifiers: Orphanet 3453, MedGen C0085859, MONDO:0009411, OMIM 240300.

Allele frequency attached by ClinVar (database versions not stated): gnomAD 0.00001; TOPMed 0.00001; ExAC 0.00004.
gnomAD v4.1: 9 of 1,610,874 alleles (0.00056%); highest among the groups gnomAD compares: Non-Finnish European, 0.00076%; no homozygotes.

Submission:

Labcorp Genetics (formerly Invitae), Labcorp
Classification: Uncertain significance for Polyglandular autoimmune syndrome, type 1. Last evaluated: 2025-09-22. Review status: criteria provided, single submitter. Criteria: Invitae Variant Classification Sherloc (09022015). Collection method: clinical testing. Allele origin: germline.
Comment: This sequence change replaces glutamine, which is neutral and polar, with arginine, which is basic and polar, at codon 276 of the AIRE protein (p.Gln276Arg). This variant is present in population databases (rs780067507, gnomAD 0.004%). This variant has not been reported in the literature in individuals affected with AIRE-related conditions. ClinVar contains an entry for this variant (Variation ID: 2740413). Invitae Evidence Modeling of protein sequence and biophysical properties (such as structural, functional, and spatial information, amino acid conservation, physicochemical variation, residue mobility, and thermodynamic stability) indicates that this missense variant is not expected to disrupt AIRE protein function with a negative predictive value of 95%. In summary, the available evidence is currently insufficient to determine the role of this variant in disease. Therefore, it has been classified as a Variant of Uncertain Significance.